The following is an entry in ClinVar:

NM_020686.6(ABAT):c.619G>A (p.Asp207Asn)

Gene: ABAT (4-aminobutyrate aminotransferase; plus strand). Cytogenetic location: 16p13.2.
Variant type: single nucleotide variant.
Coding change: c.619G>A on transcript NM_020686.6 (MANE Select); coding-DNA position 619, G replaced by A.
Protein change: p.Asp207Asn; replaces aspartic acid 207 with asparagine.
Molecular consequence: missense variant.
Genome position (GRCh38, 1-based): chr16:8,768,208, G>A. VCF-style: chr16-8768208-G-A. GRCh37 (hg19) VCF-style: chr16-8862065-G-A.
Other names: c.619G>A, p.Asp207Asn (NM_000663.5, NM_001127448.2, NM_001386600.1 and 7 more transcripts); c.556G>A, p.Asp186Asn (NM_001386606.1, NM_001386607.1); c.526G>A, p.Asp176Asn (NM_001386608.1); c.484G>A, p.Asp162Asn (NM_001386610.1, NM_001386611.1); c.421G>A, p.Asp141Asn (NM_001386612.1, NM_001386613.1); c.373G>A, p.Asp125Asn (NM_001386614.1); c.715G>A, p.Asp239Asn (NM_001386615.1); short protein forms D125N, D162N, D176N, D141N, D186N, D207N, D239N.
Identifiers: ClinVar variation 1039521 (VCV001039521.5), dbSNP rs772498753, ClinGen allele CA7893231.

ClinVar aggregate classification (germline): Uncertain significance (1 of 4 stars; one submission).

Conditions:
Gamma-aminobutyric acid transaminase deficiency (GABATD). Also called: GABA transaminase deficiency; Gamma aminobutyrate transaminase deficiency; 4 alpha aminobutyrate transaminase deficiency; GABA aminotransaminase deficiency. Identifiers: Orphanet 2066, MedGen C0342708, MONDO:0013166, OMIM 613163.

Allele frequency attached by ClinVar (database versions not stated): gnomAD 0.00001; TOPMed 0.00001; gnomAD exomes 0.00002; ExAC 0.00004.
gnomAD v4.1: 28 of 1,613,948 alleles (0.0017%); highest among the groups gnomAD compares: East Asian, 0.013%; no homozygotes.

Submission:

Labcorp Genetics (formerly Invitae), Labcorp
Classification: Uncertain significance for Gamma-aminobutyric acid transaminase deficiency. Last evaluated: 2024-05-06. Review status: criteria provided, single submitter. Criteria: Invitae Variant Classification Sherloc (09022015). Collection method: clinical testing. Allele origin: germline.
Comment: This sequence change replaces aspartic acid, which is acidic and polar, with asparagine, which is neutral and polar, at codon 207 of the ABAT protein (p.Asp207Asn). This variant is present in population databases (rs772498753, gnomAD 0.01%). This variant has not been reported in the literature in individuals affected with ABAT-related conditions. ClinVar contains an entry for this variant (Variation ID: 1039521). Advanced modeling of protein sequence and biophysical properties (such as structural, functional, and spatial information, amino acid conservation, physicochemical variation, residue mobility, and thermodynamic stability) performed at Invitae indicates that this missense variant is not expected to disrupt ABAT protein function with a negative predictive value of 80%. In summary, the available evidence is currently insufficient to determine the role of this variant in disease. Therefore, it has been classified as a Variant of Uncertain Significance.